The following is an entry in ClinVar:

ClinVar aggregate classification (germline): Likely pathogenic (1 of 4 stars; one submission).

Conditions:
Capillary malformation-arteriovenous malformation 1 (CMAVM1). Identifiers: Orphanet 137667, Orphanet 693907, MedGen C4747394, MONDO:0020783, OMIM 608354.

Submission:

Clinical Genetics Laboratory, Skane University Hospital Lund
Classification: Likely pathogenic for Capillary malformation-arteriovenous malformation 1. Last evaluated: 2025-09-08. Review status: criteria provided, single submitter. Criteria: ACMG Guidelines, 2015. Collection method: clinical testing. Allele origin: de novo. Inheritance: Autosomal dominant inheritance. Affected: yes.
Comment: ACMG criteria used: PVS1_moderate, PM2, PM6 and PP4

NM_002890.3(RASA1):c.3086dup (p.Thr1030fs)

Genes: CCNH (cyclin H; minus strand), RASA1 (RAS p21 protein activator 1; plus strand). Cytogenetic location: 5q14.3.
Variant type: Duplication.
Coding change: c.3086dup on transcript NM_002890.3 (MANE Select); coding-DNA position 3086, one base duplicated (T; older notation c.3086dupT).
Protein change: p.Thr1030fs; shifts the reading frame from threonine 1030.
Molecular consequence: frameshift variant. On other transcripts: 3 prime UTR variant (2), non-coding transcript variant (1), intron variant (1).
Genome position (GRCh38, 1-based): chr5:87,390,825, T duplicated. VCF-style (leftmost placement, unchanged base first): chr5-87390824-A-AT. GRCh37 (hg19) VCF-style: chr5-86686641-A-AT.
Other names: c.2555dup, p.Thr853fs (NM_022650.3); c.*2035dup (NM_001363539.2, NM_001364076.2); c.933+4219dup (NM_001364075.2); short protein forms T1030fs, T853fs.
Identifiers: ClinVar variation 4082080 (VCV004082080.1).